The following is an entry in ClinVar:

ClinVar aggregate classification (germline): Uncertain significance. Review status: criteria provided, multiple submitters, no conflicts (2 of 4 stars). 2 submissions from 2 submitters: Uncertain significance (2). Last evaluated 2026-06-21.

Conditions:
Cardiovascular phenotype. Identifiers: MedGen CN230736.

Submissions (2):

Ambry Genetics
Classification: Uncertain significance for Cardiovascular phenotype. Last evaluated: 2026-06-21. Review status: criteria provided, single submitter. Criteria: Ambry Variant Classification Scheme 2023. Collection method: clinical testing. Allele origin: germline.
Comment: The p.S3495L variant (also known as c.10484C>T), located in coding exon 38 of the ANK2 gene, results from a C to T substitution at nucleotide position 10484. The serine at codon 3495 is replaced by leucine, an amino acid with dissimilar properties. This amino acid position is conserved. In addition, the in silico prediction for this alteration is inconclusive. Based on the available evidence, the clinical significance of this variant remains unclear.

GeneDx
Classification: Uncertain significance. Last evaluated: 2025-06-05. Review status: criteria provided, single submitter. Criteria: GeneDx Variant Classification Process June 2021. Collection method: clinical testing. Allele origin: germline. Affected: yes.
Comment: Not observed at significant frequency in large population cohorts (gnomAD); In silico analysis supports that this missense variant has a deleterious effect on protein structure/function; Has not been previously published as pathogenic or benign to our knowledge

NM_001148.6(ANK2):c.10484C>T (p.Ser3495Leu)

Gene: ANK2 (ankyrin 2; plus strand). Cytogenetic location: 4q26.
Variant type: single nucleotide variant.
Coding change: c.10484C>T on transcript NM_001148.6 (MANE Select); coding-DNA position 10484, C replaced by T.
Protein change: p.Ser3495Leu; replaces serine 3495 with leucine.
Molecular consequence: missense variant. On other transcripts: intron variant (68).
Genome position (GRCh38, 1-based): chr4:113,359,102, C>T. VCF-style: chr4-113359102-C-T. GRCh37 (hg19) VCF-style: chr4-114280258-C-T.
Other names: c.10250C>T, p.Ser3417Leu (NM_001386142.1); c.6884C>T, p.Ser2295Leu (NM_001386166.1); c.10625C>T, p.Ser3542Leu (NM_001386174.1); c.10601C>T, p.Ser3534Leu (NM_001386175.1); c.4412-1721C>T (NM_001386186.2, NM_001386148.2); c.4214-1721C>T (NM_001354269.3); c.4292-1721C>T (NM_001386187.2); c.4253-1721C>T (NM_001386147.1); and 35 more; short protein forms S2295L, S3417L, S3495L, S3534L, S3542L.
Identifiers: ClinVar variation 4536599 (VCV004536599.2).
Genomic context (GRCh38, chr4:113,359,102, plus strand): 5'-TAGAATTCTTTGAGGAGATTAGTGATGAGGCTTCCAAATTAGTGGATAGGCTGACACAGT[C>T]AGAGAGGGAGCAGGAAATAGTTTCAGACGATGAAAGTAGTAGTGCCCTGGAAGTATCAGT-3'
Protein context (NP_001139.3, residues 3485-3505): ASKLVDRLTQ[Ser3495Leu]EREQEIVSDD